The following is an entry in ClinVar:

NM_004369.4(COL6A3):c.1075A>G (p.Ser359Gly)

Gene: COL6A3 (collagen type VI alpha 3 chain; minus strand). Cytogenetic location: 2q37.3.
Variant type: single nucleotide variant.
Coding change: c.1075A>G on transcript NM_004369.4 (MANE Select); coding-DNA position 1075, A replaced by G.
Protein change: p.Ser359Gly; replaces serine 359 with glycine.
Molecular consequence: missense variant. On other transcripts: intron variant (2).
Genome position (GRCh38, 1-based): chr2:237,387,819, T>C on the plus strand (A>G on the coding strand, the complement: COL6A3 is on the minus strand). VCF-style: chr2-237387819-T-C. GRCh37 (hg19) VCF-style: chr2-238296462-T-C.
Other names: c.1075A>G (NM_004369.3); c.92-6320A>G (NM_057164.5, NM_057166.5); c.457A>G, p.Ser153Gly (NM_057165.5, NM_057167.4); short protein forms S153G, S359G.
Identifiers: ClinVar variation 1515062 (VCV001515062.8), dbSNP rs114235473, ClinGen allele CA2189715.

ClinVar aggregate classification (germline): Uncertain significance. Review status: criteria provided, multiple submitters, no conflicts (2 of 4 stars). 3 submissions from 3 submitters: Uncertain significance (3). Last evaluated 2025-11-06.

Conditions:
Inborn genetic diseases. Identifiers: MedGen C0950123, MeSH D030342.
Bethlem myopathy 1A. Also called: MYOPATHY, BENIGN CONGENITAL, WITH CONTRACTURES; Bethlem myopathy 1; Bethlem Muscular Dystrophy. Identifiers: Orphanet 610, MedGen CN029274, MONDO:0024530, OMIM 158810.

Allele frequency attached by ClinVar (database versions not stated): gnomAD exomes below 0.00001 and 0.00001; ExAC 0.00001; gnomAD 0.00004 and 0.00001; 1000 Genomes Project 30x 0.00031; 1000 Genomes Project 0.00040; TOPMed 0.00001.

Submissions (3):

Ambry Genetics
Classification: Uncertain significance for Inborn genetic diseases. Last evaluated: 2025-11-06. Review status: criteria provided, single submitter. Criteria: Ambry Variant Classification Scheme 2023. Collection method: clinical testing. Allele origin: germline.

Revvity Omics, Revvity
Classification: Uncertain significance. Last evaluated: 2025-01-22. Review status: criteria provided, single submitter. Criteria: ACMG Guidelines, 2015. Collection method: clinical testing. Allele origin: germline.

Labcorp Genetics (formerly Invitae), Labcorp
Classification: Uncertain significance for Bethlem myopathy 1A. Last evaluated: 2021-08-28. Review status: criteria provided, single submitter. Criteria: Invitae Variant Classification Sherloc (09022015). Collection method: clinical testing. Allele origin: germline.
Comment: In summary, the available evidence is currently insufficient to determine the role of this variant in disease. Therefore, it has been classified as a Variant of Uncertain Significance. Advanced modeling of protein sequence and biophysical properties (such as structural, functional, and spatial information, amino acid conservation, physicochemical variation, residue mobility, and thermodynamic stability) performed at Invitae indicates that this missense variant is not expected to disrupt COL6A3 protein function. This missense change has been observed in individual(s) with clinical features of autosomal dominant COL6A3-related conditions (Invitae). This variant is present in population databases (rs114235473, ExAC 0.01%). This sequence change replaces serine with glycine at codon 359 of the COL6A3 protein (p.Ser359Gly). The serine residue is moderately conserved and there is a small physicochemical difference between serine and glycine.